The following continues an entry in ClinVar:

NM_004004.6(GJB2):c.571T>C (p.Phe191Leu)

Gene: GJB2. ClinVar aggregate classification (germline): Uncertain significance. Uncertain significance (1).

Submissions 6 to 17 of 17:

Women's Health and Genetics/Laboratory Corporation of America, LabCorp
Classification: Uncertain significance. Last evaluated: 2024-01-16. Review status: criteria provided, single submitter. Criteria: LabCorp Variant Classification Summary - May 2015. Collection method: clinical testing. Allele origin: germline. Not counted in ClinVar's aggregate classification.
Comment: Variant summary: GJB2 c.571T>C (p.Phe191Leu) results in a non-conservative amino acid change located in the gap junction protein, cysteine-rich domain (IPR019570) of the encoded protein sequence. Five of five in-silico tools predict a damaging effect of the variant on protein function. The variant allele was found at a frequency of 3e-05 in 1617728 control chromosomes, predominantly at a frequency of 0.00096 within the East Asian subpopulation in the gnomAD database. The observed variant frequency within East Asian control individuals in the gnomAD database is approximately 3-fold of the estimated maximal expected allele frequency for a pathogenic variant in GJB2 causing Non-Syndromic Hearing Loss phenotype (0.00034), suggesting that the variant is a benign polymorphism found primarily in populations of East Asian origin. c.571T>C has been reported in the literature in the heterozygous state in multiple individuals of East Asian ancestry affected with Non-Syndromic Hearing Loss where no second variant has been reported, or a second variant was found that has been classified as benign (e.g. Ohtsuka_2003, Hwa_2003, Wattanasirichaigoon_2004, Ming-kun_2007, Dai_2009, Shin_2012, Wei_2013, Du_2014 Jiang_2015, Yu_2020). It has also been reported as a compound heterozygous genotype in several affected individuals, including at least one case where it was found in trans with a pathogenic variant (e.g. Jiang_2015, Yu_2020), and in a homozygous patient with a mild phenotype (Oguchi_2005). However, the variant has also been reported in the heterozygous state in healthy control individuals (e.g. Ohtsuka_2003, Hwa_2003, Posukh_2005, Nishio_2015) and in the homozygous state in an unaffected individual who was the parent of a heterozygous proband (Wattanasirichaigoon_2004). These reports do not allow for any conclusion about association of the variant with Non-Syndromic Hearing Loss. At least two publications report experimental evidence evaluating an impact on protein function in vitro and found that the variant showed improper protein trafficking with localization in the cytoplasm, particularly within the ER; however, its ability to form functional gap junctions was not assessed further (Ambrosi_2013, Kim_2016). The following publications have been ascertained in the context of this evaluation (PMID: 23967136, 19366456, 25149764, 12792423, 26252218, 26749107, 25788563, 15700112, 12560944, 15790391, 22701767, 15479191, 23826813, 31992338, DOI 10.1016/S1672-2930(07)50004-8). ClinVar contains an entry for this variant (Variation ID: 44760). Based on the evidence outlined above, the variant was classified as uncertain significance.

Integrating Genomics into Medicine, Frazer Institute, University Of Queensland
Classification: Uncertain significance for Autosomal recessive nonsyndromic hearing loss 1A. Last evaluated: 2023-06-02. Review status: criteria provided, single submitter. Criteria: ACMG Guidelines, 2015. Collection method: clinical testing. Allele origin: germline. Affected: yes. Not counted in ClinVar's aggregate classification.

Athena Diagnostics
Classification: Uncertain significance. Last evaluated: 2023-05-17. Review status: criteria provided, single submitter. Criteria: Athena Diagnostics Criteria. Collection method: clinical testing. Allele origin: unknown. Not counted in ClinVar's aggregate classification.
Comment: Available data are insufficient to determine the clinical significance of the variant at this time. The frequency of this variant in the general population is higher than would generally be expected for pathogenic variants in this gene (Genome Aggregation Database (gnomAD), Cambridge, MA (URL)). Assessment of experimental evidence suggests this variant results in abnormal protein function. (PMID: 23967136, 26749107)

Laboratory for Molecular Medicine, Mass General Brigham Personalized Medicine
Classification: Uncertain significance. Last evaluated: 2022-11-03. Review status: criteria provided, single submitter. Criteria: ACMG Guidelines, 2015. Collection method: clinical testing. Allele origin: germline. Not counted in ClinVar's aggregate classification.
Comment: The p.Phe191Leu variant in GJB2 has been reported in >20 individuals with hearing loss in either the heterozygous, compound heterozygous or homozygous state (Hwa 2003 PMID: 12792423, Ohtsuka 2003 PMID: 12560944, Wattanasirichaigoon 2004 PMID: 15479191, Dai 2009 PMID: 19366456, Wei 2013 PMID: 23826813, Liu 2015 PMID: 25808784, Gao 2016 PMID: 27792752). However it has also been found in one individual without hearing loss in the homozygous state (Wattanasirichaigoon 2004 PMID: 15479191). It has also been identified in 0.19% (37/19954) of East Asian chromosomes by gnomAD. This variant was classified as Uncertain Significance on Sep 24, 2018 by the ClinGen-approved Hearing Loss Variant Curation expert panel (Variation ID 44760). Computational prediction tools and conservation analyses suggest that this variant may impact the protein, though this information is not predictive enough to determine pathogenicity. In vitro functional studies provide some evidence that this variant impacts the ability of the protein to leave the cell (Ambrosi 2013 PMID: 2396713 6, Kim 2016 PMID: 26749107); however, these types of assays may not accurately represent biological function. In summary, the clinical significance of this variant is uncertain. ACMG/AMP Criteria applied: PM3_M, PP3, PS3_S, BS1, BS2.

Fulgent Genetics
Classification: Uncertain significance for Mutilating keratoderma; Autosomal dominant keratitis-ichthyosis-hearing loss syndrome; Palmoplantar keratoderma-deafness syndrome; Knuckle pads, deafness AND leukonychia syndrome; Autosomal recessive nonsyndromic hearing loss 1A; X-linked mixed hearing loss with perilymphatic gusher; Autosomal dominant nonsyndromic hearing loss 3A. Last evaluated: 2021-12-06. Review status: criteria provided, single submitter. Criteria: ACMG Guidelines, 2015. Collection method: clinical testing. Allele origin: unknown. Not counted in ClinVar's aggregate classification.

Blueprint Genetics
Classification: Uncertain significance. Last evaluated: 2021-10-01. Review status: criteria provided, single submitter. Criteria: ACMG Guidelines, 2015. Collection method: clinical testing. Allele origin: germline. Not counted in ClinVar's aggregate classification.

Pars Genome Lab
Classification: Likely benign for Autosomal dominant nonsyndromic hearing loss 3A. Last evaluated: 2021-07-28. Review status: criteria provided, single submitter. Criteria: ACMG Guidelines, 2015. Collection method: clinical testing. Allele origin: germline. Inheritance: Autosomal dominant inheritance. Affected: no. Not counted in ClinVar's aggregate classification.

ARUP Laboratories, Molecular Genetics and Genomics, ARUP Laboratories
Classification: Likely pathogenic. Last evaluated: 2019-08-20. Review status: criteria provided, single submitter. Criteria: ARUP Molecular Germline Variant Investigation Process. Collection method: clinical testing. Allele origin: germline. Not counted in ClinVar's aggregate classification.
Comment: The GJB2 c.571T>C; p.Phe191Leu variant (rs397516878) is reported in the literature in individuals affected with hearing loss but also in normal hearing controls (Dahl 2006, Hwa 2003, Oguchi 2005, Ohtsuka 2003, Posukh 2019, Shi 2016, Wattanasirichaigoon 2004, Wei 2013). This variant has been observed in the compound heterozygous state in affected individuals tested at ARUP Laboratories and has been reported in the homozygous state in a mildly affected individual (Oguchi 2005), but it is also reported in a homozygous individual with normal hearing (Wattanasirichaigoon 2005). This variant is found in the East Asian population with an overall allele frequency of 0.19% (37/19954 alleles) in the Genome Aggregation Database. The phenylalanine at codon 191 is highly conserved, and computational analyses (SIFT, PolyPhen-2) predict that this variant is deleterious. Indeed, functional studies suggest the variant protein is mislocalized in cultured cells (Ambrosi 2013); however, its ability to form functional gap junctions has not been adequately tested. Due to limited and conflicting information, the clinical significance of the p.Phe191Leu variant is uncertain at this time. References: Ambrosi C et al. Analysis of trafficking, stability and function of human connexin 26 gap junction channels with deafness-causing mutations in the fourth transmembrane helix. PLoS One. 2013; 8(8):e70916. Dahl HH et al. The contribution of GJB2 mutations to slight or mild hearing loss in Australian elementary school children. J Med Genet. 2006;43(11):850-855. Hwa HL et al. Mutation spectrum of the connexin 26 (GJB2) gene in Taiwanese patients with prelingual deafness. Genet Med. 2003;5(3):161-165. Oguchi T et al. Clinical features of patients with GJB2 (connexin 26) mutations: severity of hearing loss is correlated with genotypes and protein expression patterns. J Hum Genet. 2005;50(2):76-83. Ohtsuka A et al. GJB2 deafness gene shows a specific spectrum of mutations in Japan, including a frequent founder mutation. Hum Genet. 2003;112(4):329-333. Posukh OL et al. Unique Mutational Spectrum of the GJB2 Gene and its Pathogenic Contribution to Deafness in Tuvinians (Southern Siberia, Russia): A High Prevalence of Rare Variant c.516G>C (p.Trp172Cys). Genes (Basel). 2019;10(6):429. Shi L et al. Prevalence of GJB2 gene mutation in 330 cochlear implant patients in the Jiangsu province. J Laryngol Otol. 2016;130(10):902-906.

Genetic Testing Center for Deafness, Department of Otolaryngology Head & Neck Surgery, Institute of Otolaryngology, Chinese PLA General Hospital
Classification: Likely benign for Autosomal dominant nonsyndromic hearing loss 3A. Review status: criteria provided, single submitter. Criteria: ClinGen HL ACMG Specifications v1. Collection method: case-control. Allele origin: paternal. Affected: no. Observed: 2 variant alleles. Not counted in ClinVar's aggregate classification.

Juno Genomics, Hangzhou Juno Genomics, Inc
Classification: Uncertain significance for Autosomal recessive nonsyndromic hearing loss 1A. Review status: criteria provided, single submitter. Criteria: ACMG Guidelines, 2015. Collection method: clinical testing. Allele origin: germline. Affected: yes. Not counted in ClinVar's aggregate classification.
Comment: Allele frequency is greater than expected for disorder.;For recessive disorders, detected in trans with a pathogenic variant.;Well-established in vitro or in vivo functional studies supportive of a damaging effect on the gene or gene product.;Multiple lines of computational evidence support a deleterious effect on the gene or gene product.

Counsyl
Classification: Uncertain significance for Autosomal recessive nonsyndromic hearing loss 1A. Last evaluated: 2018-05-09. Review status: no assertion criteria provided. Collection method: clinical testing. Allele origin: unknown. Not counted in ClinVar's aggregate classification.

Clinical Molecular Genetics Laboratory, Johns Hopkins All Children's Hospital
Classification: Pathogenic for Hearing loss. Last evaluated: 2012-12-10. Review status: no assertion criteria provided. Collection method: clinical testing. Allele origin: germline. Affected: yes. Not counted in ClinVar's aggregate classification.

Literature cited by the submitters: PubMed 25388846 (cited by ClinGen Hearing Loss Variant Curation Expert Panel and Laboratory for Molecular Medicine, Mass General Brigham Personalized Medicine); PubMed 15479191 (cited by 6 submitters); PubMed 26749107 (cited by 5 submitters); PubMed 23967136 (cited by 6 submitters); PubMed 15700112 (cited by 4 submitters); PubMed 16840571 (cited by 3 submitters); PubMed 19043807 (cited by ClinGen Hearing Loss Variant Curation Expert Panel and Laboratory for Molecular Medicine, Mass General Brigham Personalized Medicine); PubMed 12560944 (cited by 4 submitters); PubMed 12792423 (cited by 5 submitters); PubMed 15790391 (cited by 4 submitters); PubMed 26252218 (cited by 3 submitters); PubMed 35212567 (cited by Labcorp Genetics (formerly Invitae), Labcorp); PubMed 19366456 (cited by Women's Health and Genetics/Laboratory Corporation of America, LabCorp and Laboratory for Molecular Medicine, Mass General Brigham Personalized Medicine); PubMed 25149764 (cited by 3 submitters); PubMed 25788563 (cited by Women's Health and Genetics/Laboratory Corporation of America, LabCorp and Athena Diagnostics); PubMed 22701767 (cited by Women's Health and Genetics/Laboratory Corporation of America, LabCorp); PubMed 23826813 (cited by 4 submitters); PubMed 31992338 (cited by Women's Health and Genetics/Laboratory Corporation of America, LabCorp); PubMed 21366436 (cited by Athena Diagnostics and Counsyl); PubMed 27534436 (cited by Athena Diagnostics); PubMed 27247933 (cited by Athena Diagnostics); PubMed 27627659 (cited by Athena Diagnostics); PubMed 20497192 (cited by Athena Diagnostics); PubMed 27018795 (cited by Athena Diagnostics); PubMed 19707039 (cited by Athena Diagnostics); PubMed 24256046 (cited by Laboratory for Molecular Medicine, Mass General Brigham Personalized Medicine); PubMed 25808784 (cited by Laboratory for Molecular Medicine, Mass General Brigham Personalized Medicine).